The following is an entry in ClinVar:

ClinVar aggregate classification (germline): Pathogenic. Review status: criteria provided, multiple submitters, no conflicts (2 of 4 stars). 7 submissions from 7 submitters: Pathogenic (7). Last evaluated 2026-06-11.

Conditions:
Cardiovascular phenotype. Identifiers: MedGen CN230736.
Hereditary cancer-predisposing syndrome. Also called: Neoplastic Syndromes, Hereditary; Hereditary Cancer Syndrome; Hereditary neoplastic syndrome; Tumor predisposition. Identifiers: Orphanet 140162, MedGen C0027672, MeSH D009386, MONDO:0015356.
Neurofibromatosis, type 1 (NF1). Also called: VON RECKLINGHAUSEN DISEASE; NEUROFIBROMATOSIS, TYPE I, SOMATIC; Neurofibromatosis, type I; Peripheral type neurofibromatosis. Identifiers: Orphanet 636, MedGen C0027831, MONDO:0018975, OMIM 162200. Disease mechanism: loss of function.

Submissions (7):

Ambry Genetics
Classification: Pathogenic for Cardiovascular phenotype; Hereditary cancer-predisposing syndrome. Last evaluated: 2026-06-11. Review status: criteria provided, single submitter. Criteria: Ambry Variant Classification Scheme 2023. Collection method: clinical testing. Allele origin: germline.
Comment: The c.479+1G>A intronic pathogenic mutation results from a G to A substitution one nucleotide after coding exon 4 of the NF1 gene. Alterations that disrupt the canonical splice site are expected to cause aberrant splicing, resulting in an abnormal protein or a transcript that is subject to nonsense-mediated mRNA decay. This variant was reported in individual(s) with features consistent with Neurofibromatosis type 1 (Pros E et al. Hum Mutat, 2008 Sep;29:E173-93; Ambry internal data). Other variant(s) impacting the same donor site (c.479+2T>G, c.479G>C, and c.479G>A) have been identified in individual(s) with features consistent with Neurofibromatosis type 1 (Brinckmann A et al. Electrophoresis, 2007 Dec;28:4295-301; Ambry internal data). This nucleotide position is highly conserved in available vertebrate species. In silico splice site analysis predicts that this alteration will weaken the native splice donor site. Based on the supporting evidence, this variant is interpreted as a disease-causing mutation.

Clinical Genomics Laboratory, Washington University in St. Louis
Classification: Pathogenic for Neurofibromatosis, type 1. Last evaluated: 2025-10-20. Review status: criteria provided, single submitter. Criteria: ACMG Guidelines, 2015. Collection method: clinical testing. Allele origin: germline. Affected: yes.
Comment: The NF1 c.479+1G>A variant has been reported in two individuals affected with neurofibromatosis type 1 and is noted to segregate with the disease in two members of a single family. However, limited information regarding the phenotype and additional testing is provided in these papers (Johan AM et al., PMID: 10633134; Pros E et al., PMID: 18546366). This variant has been reported in the ClinVar database as a germline pathogenic variant by five submitters. This variant is absent from the general population (gnomAD v.4.1.0), indicating it is not a common variant. This variant occurs within the canonical splice donor site, which is predicted to cause skipping of the exon, leading to an out of frame transcript. Other variants in the same codon, c.479+1G>C and c.479+2T>A, have been reported in affected individuals and are considered pathogenic (Brinckmann A et al., PMID: 18041031; Sabbagh A et al., PMID: 23913538; ClinVar Variation IDs: 18041031, 949678, respectively). Based on available information and the ACMG/AMP guidelines for variant interpretation (Richards S et al., PMID: 25741868), this variant is classified as pathogenic.

Quest Diagnostics Nichols Institute San Juan Capistrano
Classification: Pathogenic. Last evaluated: 2025-09-26. Review status: criteria provided, single submitter. Criteria: Quest Diagnostics criteria. Collection method: clinical testing. Allele origin: unknown.
Comment: The NF1 c.479+1G>A variant disrupts a canonical splice-donor site and interferes with normal NF1 mRNA splicing. This variant has been reported in the published literature in with neurofibromatosis 1 (NF1) (PMID: 18546366 (2008)). This variant has not been reported in large, multi-ethnic general populations (Genome Aggregation Database). Based on the available information, this variant is classified as pathogenic.

Labcorp Genetics (formerly Invitae), Labcorp
Classification: Pathogenic for Neurofibromatosis, type 1. Last evaluated: 2024-10-15. Review status: criteria provided, single submitter. Criteria: Invitae Variant Classification Sherloc (09022015). Collection method: clinical testing. Allele origin: germline.
Comment: This sequence change affects a donor splice site in intron 4 of the NF1 gene. It is expected to disrupt RNA splicing. Variants that disrupt the donor or acceptor splice site typically lead to a loss of protein function (PMID: 16199547), and loss-of-function variants in NF1 are known to be pathogenic (PMID: 10712197, 23913538). This variant is not present in population databases (gnomAD no frequency). Disruption of this splice site has been observed in individual(s) with neurofibromatosis type 1 (PMID: 18546366; internal data). In at least one individual the variant was observed to be de novo. ClinVar contains an entry for this variant (Variation ID: 457722). Algorithms developed to predict the effect of sequence changes on RNA splicing suggest that this variant may disrupt the consensus splice site. For these reasons, this variant has been classified as Pathogenic.

Genome-Nilou Lab
Classification: Pathogenic for Neurofibromatosis, type 1. Last evaluated: 2022-03-15. Review status: criteria provided, single submitter. Criteria: ACMG Guidelines, 2015. Collection method: clinical testing. Allele origin: germline. Affected: no.

Genome Diagnostics Laboratory, The Hospital for Sick Children
Classification: Pathogenic for Neurofibromatosis, type 1. Last evaluated: 2020-10-26. Review status: criteria provided, single submitter. Criteria: ACMG Guidelines, 2015. Collection method: clinical testing. Allele origin: germline. Affected: yes.

Athena Diagnostics
Classification: Pathogenic. Last evaluated: 2019-01-15. Review status: criteria provided, single submitter. Criteria: Athena Diagnostics Criteria. Collection method: clinical testing. Allele origin: germline.
Comment: The variant disrupts a canonical splice site, and is therefore predicted to result in the loss of a functional protein. Found in at least one symptomatic patient, and not found in general population data.

Literature cited by the submitters: PubMed 18546366 (cited by 3 submitters); PubMed 16199547 (cited by Labcorp Genetics (formerly Invitae), Labcorp); PubMed 10712197 (cited by Labcorp Genetics (formerly Invitae), Labcorp); PubMed 23913538 (cited by Labcorp Genetics (formerly Invitae), Labcorp).

NM_001042492.3(NF1):c.479+1G>A

Gene: NF1 (neurofibromin 1; plus strand). Cytogenetic location: 17q11.2.
Variant type: single nucleotide variant.
Coding change: c.479+1G>A on transcript NM_001042492.3 (MANE Select); the canonical splice donor site of the intron after coding-DNA position 479, G replaced by A.
Molecular consequence: splice donor variant.
Genome position (GRCh38, 1-based): chr17:31,163,377, G>A. VCF-style: chr17-31163377-G-A. GRCh37 (hg19) VCF-style: chr17-29490395-G-A.
Other names: c.479+1G>A (NM_000267.4, NM_001128147.3).
Identifiers: ClinVar variation 457722 (VCV000457722.17), dbSNP rs1555606137, ClinGen allele CA398982218.
Genomic context (GRCh38, chr17:31,163,377, plus strand): 5'-GGTTTTATTTTCTCTCAGCTGCAACAACTTCAATGCAGTCTTTAGTCGCATTTCTACCAG[G>A]TTAGTGTGTAAATCCACATGGGACTACTGAAGTAATATGAATATTAGAAGTTTTGTTTTT-3'